The following is an entry in ClinVar:

ClinVar aggregate classification (germline): Uncertain significance (1 of 4 stars; one submission).

Conditions:
Immunodeficiency, common variable, 10. Also called: IMMUNODEFICIENCY, COMMON VARIABLE, WITH CENTRAL ADRENAL INSUFFICIENCY; DEFICIT IN ANTERIOR PITUITARY FUNCTION AND VARIABLE IMMUNODEFICIENCY. Identifiers: MedGen C3809991, MONDO:0014260, OMIM 615577.

Allele frequency attached by ClinVar (database versions not stated): ExAC 0.00001.
gnomAD v4.1: 2 of 1,612,622 alleles (0.00012%); highest among the groups gnomAD compares: Non-Finnish European, 0.000085%; no homozygotes.

Submission:

Labcorp Genetics (formerly Invitae), Labcorp
Classification: Uncertain significance for Immunodeficiency, common variable, 10. Last evaluated: 2026-01-08. Review status: criteria provided, single submitter. Criteria: Invitae Variant Classification Sherloc (09022015). Collection method: clinical testing. Allele origin: germline.
Comment: This sequence change replaces alanine, which is neutral and non-polar, with proline, which is neutral and non-polar, at codon 342 of the NFKB2 protein (p.Ala342Pro). This variant is present in population databases (rs753731962, gnomAD 0.0009%). This variant has not been reported in the literature in individuals affected with NFKB2-related conditions. ClinVar contains an entry for this variant (Variation ID: 2792227). An algorithm developed to predict the effect of missense changes on protein structure and function (PolyPhen-2) suggests that this variant is likely to be tolerated. In summary, the available evidence is currently insufficient to determine the role of this variant in disease. Therefore, it has been classified as a Variant of Uncertain Significance.

NM_001322934.2(NFKB2):c.1024G>C (p.Ala342Pro)

Gene: NFKB2 (nuclear factor kappa B subunit 2; plus strand). Cytogenetic location: 10q24.32.
Variant type: single nucleotide variant.
Coding change: c.1024G>C on transcript NM_001322934.2 (MANE Select); coding-DNA position 1024, G replaced by C.
Protein change: p.Ala342Pro; replaces alanine 342 with proline.
Molecular consequence: missense variant. On other transcripts: intron variant (1).
Genome position (GRCh38, 1-based): chr10:102,398,771, G>C. VCF-style: chr10-102398771-G-C. GRCh37 (hg19) VCF-style: chr10-104158528-G-C.
Other names: c.1024G>C, p.Ala342Pro (NM_001077493.1, NM_001077494.3, NM_001261403.3 and 2 more transcripts); c.991+248G>C (NM_001322935.1); short protein forms A342P.
Identifiers: ClinVar variation 2792227 (VCV002792227.3), dbSNP rs753731962, ClinGen allele CA5664712.